The following is an entry in ClinVar:

NM_033026.6(PCLO):c.1978A>G (p.Lys660Glu)

Gene: PCLO (piccolo presynaptic cytomatrix protein; minus strand). Cytogenetic location: 7q21.11.
Variant type: single nucleotide variant.
Coding change: c.1978A>G on transcript NM_033026.6 (MANE Select); coding-DNA position 1978, A replaced by G.
Protein change: p.Lys660Glu; replaces lysine 660 with glutamic acid.
Molecular consequence: missense variant.
Genome position (GRCh38, 1-based): chr7:83,135,572, T>C on the plus strand (A>G on the coding strand, the complement: PCLO is on the minus strand). VCF-style: chr7-83135572-T-C. GRCh37 (hg19) VCF-style: chr7-82764888-T-C.
Other names: c.1978A>G, p.Lys660Glu (NM_014510.3); short protein forms K660E.
Identifiers: ClinVar variation 1717084 (VCV001717084.5), dbSNP rs1432795944, ClinGen allele CA367905543.

ClinVar aggregate classification (germline): Uncertain significance (1 of 4 stars; one submission).

Allele frequency attached by ClinVar (database versions not stated): TOPMed below 0.00001; gnomAD 0.00001.
gnomAD v4.1: 1 of 1,613,562 alleles (0.000062%); highest among the groups gnomAD compares: Non-Finnish European, 0.000085%; no homozygotes.

Submission:

Labcorp Genetics (formerly Invitae), Labcorp
Classification: Uncertain significance. Last evaluated: 2022-08-20. Review status: criteria provided, single submitter. Criteria: Invitae Variant Classification Sherloc (09022015). Collection method: clinical testing. Allele origin: germline.
Comment: In summary, the available evidence is currently insufficient to determine the role of this variant in disease. Therefore, it has been classified as a Variant of Uncertain Significance. Algorithms developed to predict the effect of missense changes on protein structure and function are either unavailable or do not agree on the potential impact of this missense change (SIFT: "Tolerated"; PolyPhen-2: "Not Available"; Align-GVGD: "Class C0"). This variant has not been reported in the literature in individuals affected with PCLO-related conditions. This variant is not present in population databases (gnomAD no frequency). This sequence change replaces lysine, which is basic and polar, with glutamic acid, which is acidic and polar, at codon 660 of the PCLO protein (p.Lys660Glu).